The following is an entry in ClinVar:

NM_014026.6(DCPS):c.979del (p.Leu327fs)

Genes: DCPS (decapping enzyme, scavenger; plus strand), GSEC (G-quadruplex forming sequence containing lncRNA; minus strand). Cytogenetic location: 11q24.2.
Variant type: Deletion.
Coding change: c.979del on transcript NM_014026.6 (MANE Select); coding-DNA position 979, one base deleted (C; older notation c.979delC).
Protein change: p.Leu327fs; shifts the reading frame from leucine 327.
Molecular consequence: frameshift variant.
Genome position (GRCh38, 1-based): chr11:126,345,578, C deleted; the last of 5 consecutive C bases (chr11:126,345,574-126,345,578); deleting any one gives the same sequence. VCF-style (leftmost placement, unchanged base first): chr11-126345573-AC-A. GRCh37 (hg19) VCF-style: chr11-126215468-AC-A.
Other names: c.1000del, p.Leu334fs (NM_001350236.2); short protein forms L327fs, L334fs.
Identifiers: ClinVar variation 2662278 (VCV002662278.1), dbSNP rs1481976531, ClinGen allele CA602585571.

ClinVar aggregate classification (germline): Uncertain significance (1 of 4 stars; one submission).

Submission:

GeneDx
Classification: Uncertain significance. Last evaluated: 2023-05-18. Review status: criteria provided, single submitter. Criteria: GeneDx Variant Classification Process June 2021. Collection method: clinical testing. Allele origin: germline. Affected: yes.
Comment: Not observed at significant frequency in large population cohorts (gnomAD); Frameshift variant predicted to result in protein elongation, as the last 11 amino acids are replaced with an unknown number of different amino acids.; Has not been previously published as pathogenic or benign to our knowledge